The following is an entry in ClinVar:

ClinVar aggregate classification (germline): Conflicting classifications of pathogenicity. Review status: criteria provided, conflicting classifications (1 of 4 stars). 5 submissions from 5 submitters: Uncertain significance (3); Likely benign (2). Last evaluated 2025-10-01.

Conditions:
Inborn genetic diseases. Identifiers: MedGen C0950123, MeSH D030342.
Supravalvar aortic stenosis (SVAS). Also called: Supravalvar aortic stenosis, Eisenberg type. Identifiers: Orphanet 3193, MedGen C0003499, MONDO:0008504, OMIM 185500, HP:0004381.

Allele frequency attached by ClinVar (database versions not stated): gnomAD exomes 0.00011; ExAC 0.00014; TOPMed 0.00014; ESP Exome Variant Server 0.00015; gnomAD 0.00017.
gnomAD v4.1: 107 of 1,614,000 alleles (0.0066%); highest among the groups gnomAD compares: African/African-American, 0.024%; 1 homozygote.

Submissions (5):

CeGaT Center for Human Genetics Tuebingen
Classification: Likely benign. Last evaluated: 2025-10-01. Review status: criteria provided, single submitter. Criteria: CeGaT Center For Human Genetics Tuebingen Variant Classification Criteria Version 2. Collection method: clinical testing. Allele origin: germline. Affected: yes. Observed: 2 variant alleles.
Comment: ELN: BP4, BS2

Labcorp Genetics (formerly Invitae), Labcorp
Classification: Uncertain significance for Supravalvar aortic stenosis. Last evaluated: 2025-07-13. Review status: criteria provided, single submitter. Criteria: Invitae Variant Classification Sherloc (09022015). Collection method: clinical testing. Allele origin: germline.
Comment: This sequence change replaces proline, which is neutral and non-polar, with leucine, which is neutral and non-polar, at codon 331 of the ELN protein (p.Pro331Leu). This variant is present in population databases (rs138504338, gnomAD 0.03%). This variant has not been reported in the literature in individuals affected with ELN-related conditions. ClinVar contains an entry for this variant (Variation ID: 1306681). Invitae Evidence Modeling of protein sequence and biophysical properties (such as structural, functional, and spatial information, amino acid conservation, physicochemical variation, residue mobility, and thermodynamic stability) indicates that this missense variant is not expected to disrupt ELN protein function with a negative predictive value of 80%. In summary, the available evidence is currently insufficient to determine the role of this variant in disease. Therefore, it has been classified as a Variant of Uncertain Significance.

Women's Health and Genetics/Laboratory Corporation of America, LabCorp
Classification: Likely benign. Last evaluated: 2025-06-09. Review status: criteria provided, single submitter. Criteria: LabCorp Variant Classification Summary - May 2015. Collection method: clinical testing. Allele origin: germline.
Comment: Variant summary: ELN c.992C>T (p.Pro331Leu) results in a non-conservative amino acid change in the encoded protein sequence. Algorithms developed to predict the effect of missense changes on protein structure and function are either unavailable or do not agree on the potential impact of this missense change. The variant allele was found at a frequency of 0.00011 in 251422 control chromosomes. The observed variant frequency is approximately 3.56 fold of the estimated maximal expected allele frequency for a pathogenic variant in ELN causing Supravalvar Aortic Stenosis phenotype (3.1e-05). To our knowledge, no occurrence of c.992C>T in individuals affected with Supravalvar Aortic Stenosis and no experimental evidence demonstrating its impact on protein function have been reported. ClinVar contains an entry for this variant (Variation ID: 1306681). Based on the evidence outlined above, the variant was classified as likely benign.

Ambry Genetics
Classification: Uncertain significance for Inborn genetic diseases. Last evaluated: 2024-11-15. Review status: criteria provided, single submitter. Criteria: Ambry Variant Classification Scheme 2023. Collection method: clinical testing. Allele origin: germline.

GeneDx
Classification: Uncertain significance. Last evaluated: 2024-09-09. Review status: criteria provided, single submitter. Criteria: GeneDx Variant Classification Process June 2021. Collection method: clinical testing. Allele origin: germline. Affected: yes.
Comment: Has not been previously published as pathogenic or benign to our knowledge; In silico analysis supports that this missense variant has a deleterious effect on protein structure/function

NM_000501.4(ELN):c.992C>T (p.Pro331Leu)

Gene: ELN (elastin; plus strand). Cytogenetic location: 7q11.23.
Variant type: single nucleotide variant.
Coding change: c.992C>T on transcript NM_000501.4 (MANE Select); coding-DNA position 992, C replaced by T.
Protein change: p.Pro331Leu; replaces proline 331 with leucine.
Molecular consequence: missense variant.
Genome position (GRCh38, 1-based): chr7:74,053,205, C>T. VCF-style: chr7-74053205-C-T. GRCh37 (hg19) VCF-style: chr7-73467535-C-T.
Other names: c.962C>T, p.Pro321Leu (NM_001081752.3, NM_001278917.2); c.1007C>T, p.Pro336Leu (NM_001081753.3, NM_001081754.3); c.992C>T, p.Pro331Leu (NM_001081755.3, NM_001278912.2, NM_001278915.2 and 1 more transcripts); c.884C>T, p.Pro295Leu (NM_001278913.2); c.977C>T, p.Pro326Leu (NM_001278914.2); c.950C>T, p.Pro317Leu (NM_001278916.2); c.860C>T, p.Pro287Leu (NM_001278918.2); short protein forms P287L, P295L, P317L, P321L, P326L, P331L, P336L.
Identifiers: ClinVar variation 1306681 (VCV001306681.23), dbSNP rs138504338, ClinGen allele CA4292797.
Genomic context (GRCh38, chr7:74,053,205, plus strand): 5'-ATGCTTTTTCTTCCACAGGAGCTGCTGCAGGCTTAGTGCCTGGTGGGCCAGGCTTTGGCC[C>T]GGGAGTAGTTGGTGTCCCAGGAGCTGGCGTTCCAGGTGTTGGTGTCCCAGGAGCTGGGAT-3'
Protein context (NP_000492.2, residues 321-341): GLVPGGPGFG[Pro331Leu]GVVGVPGAGV